The following is an entry in ClinVar:

ClinVar aggregate classification (germline): Uncertain significance. Review status: criteria provided, multiple submitters, no conflicts (2 of 4 stars). 2 submissions from 2 submitters: Uncertain significance (2). Last evaluated 2026-03-19.

Conditions:
RYR1-related disorder. Also called: RYR1-related disorders; RYR1-related condition. Identifiers: MedGen CN239331.
Inborn genetic diseases. Identifiers: MedGen C0950123, MeSH D030342.

Allele frequency attached by ClinVar (database versions not stated): gnomAD exomes below 0.00001.
gnomAD v4.1: 1 of 1,614,004 alleles (0.000062%); highest among the groups gnomAD compares: African/African-American, 0.0013%; no homozygotes.

Submissions (2):

Ambry Genetics
Classification: Uncertain significance for Inborn genetic diseases. Last evaluated: 2026-03-19. Review status: criteria provided, single submitter. Criteria: Ambry Variant Classification Scheme 2023. Collection method: clinical testing. Allele origin: germline.

Labcorp Genetics (formerly Invitae), Labcorp
Classification: Uncertain significance for RYR1-related disorder. Last evaluated: 2022-07-11. Review status: criteria provided, single submitter. Criteria: Invitae Variant Classification Sherloc (09022015). Collection method: clinical testing. Allele origin: germline.
Comment: In summary, the available evidence is currently insufficient to determine the role of this variant in disease. Therefore, it has been classified as a Variant of Uncertain Significance. Advanced modeling of protein sequence and biophysical properties (such as structural, functional, and spatial information, amino acid conservation, physicochemical variation, residue mobility, and thermodynamic stability) performed at Invitae indicates that this missense variant is expected to disrupt RYR1 protein function. ClinVar contains an entry for this variant (Variation ID: 1345561). This variant has not been reported in the literature in individuals affected with RYR1-related conditions. This variant is not present in population databases (gnomAD no frequency). This sequence change replaces aspartic acid, which is acidic and polar, with glycine, which is neutral and non-polar, at codon 1455 of the RYR1 protein (p.Asp1455Gly).

NM_000540.3(RYR1):c.4364A>G (p.Asp1455Gly)

Gene: RYR1 (ryanodine receptor 1; plus strand). Cytogenetic location: 19q13.2.
Variant type: single nucleotide variant.
Coding change: c.4364A>G on transcript NM_000540.3 (MANE Select); coding-DNA position 4364, A replaced by G.
Protein change: p.Asp1455Gly; replaces aspartic acid 1455 with glycine.
Molecular consequence: missense variant.
Genome position (GRCh38, 1-based): chr19:38,477,780, A>G. VCF-style: chr19-38477780-A-G. GRCh37 (hg19) VCF-style: chr19-38968420-A-G.
Other names: c.4364A>G, p.Asp1455Gly (NM_001042723.2); c.4364A>G (NM_000540.2); short protein forms D1455G.
Identifiers: ClinVar variation 1345561 (VCV001345561.9), dbSNP rs2145502600, ClinGen allele CA405645917.
Genomic context (GRCh38, chr19:38,477,780, plus strand): 5'-CCGTGAGGGTCTTTGCTGGACAGGAGCCCAGCTGCGTGTGGGCGGGCTGGGTCACCCCTG[A>G]CTACCATCAGCACGACATGAGCTTCGACCTCAGCAAGGTCCGGGTCGTGACGGTGACCAT-3'
Protein context (NP_000531.2, residues 1445-1465): SCVWAGWVTP[Asp1455Gly]YHQHDMSFDL